The following is an entry in ClinVar:

NM_015909.4(NBAS):c.6573-3C>T

Gene: NBAS (NBAS subunit of NRZ tethering complex; minus strand). Cytogenetic location: 2p24.3.
Variant type: single nucleotide variant.
Coding change: c.6573-3C>T on transcript NM_015909.4 (MANE Select); 3 bases into the intron before coding-DNA position 6573, C replaced by T.
Molecular consequence: intron variant.
Genome position (GRCh38, 1-based): chr2:15,186,883, G>A on the plus strand (C>T on the coding strand, the complement: NBAS is on the minus strand). VCF-style: chr2-15186883-G-A. GRCh37 (hg19) VCF-style: chr2-15327007-G-A.
Identifiers: ClinVar variation 1472711 (VCV001472711.6), dbSNP rs763734782, ClinGen allele CA2490781760.

ClinVar aggregate classification (germline): Uncertain significance (1 of 4 stars; one submission).

gnomAD v4.1: 1 of 1,613,800 alleles (0.000062%); highest among the groups gnomAD compares: African/African-American, 0.0013%; no homozygotes.

Submission:

Labcorp Genetics (formerly Invitae), Labcorp
Classification: Uncertain significance. Last evaluated: 2025-01-15. Review status: criteria provided, single submitter. Criteria: Invitae Variant Classification Sherloc (09022015). Collection method: clinical testing. Allele origin: germline.
Comment: This sequence change falls in intron 49 of the NBAS gene. It does not directly change the encoded amino acid sequence of the NBAS protein. It affects a nucleotide within the consensus splice site. This variant is not present in population databases (gnomAD no frequency). This variant has not been reported in the literature in individuals affected with NBAS-related conditions. ClinVar contains an entry for this variant (Variation ID: 1472711). Variants that disrupt the consensus splice site are a relatively common cause of aberrant splicing (PMID: 17576681, 9536098). Algorithms developed to predict the effect of sequence changes on RNA splicing suggest that this variant is not likely to affect RNA splicing. In summary, the available evidence is currently insufficient to determine the role of this variant in disease. Therefore, it has been classified as a Variant of Uncertain Significance.

Literature cited by the submitters: PubMed 17576681; PubMed 9536098.